The following is an entry in ClinVar:

NM_001267550.2(TTN):c.33581-18T>C

Gene: TTN (titin; minus strand). Cytogenetic location: 2q31.2.
Variant type: single nucleotide variant.
Coding change: c.33581-18T>C on transcript NM_001267550.2 (MANE Select); 18 bases into the intron before coding-DNA position 33581, T replaced by C.
Molecular consequence: intron variant.
Genome position (GRCh38, 1-based): chr2:178,679,700, A>G on the plus strand (T>C on the coding strand, the complement: TTN is on the minus strand). VCF-style: chr2-178679700-A-G. GRCh37 (hg19) VCF-style: chr2-179544427-A-G.
Other names: c.13283-37383T>C (NM_003319.4); c.13859-37383T>C (NM_133437.4); c.13658-37383T>C (NM_133432.3); c.29849-18T>C (NM_133378.4); c.32630-18T>C (NM_001256850.1).
Identifiers: ClinVar variation 137782 (VCV000137782.31), dbSNP rs148392677, ClinGen allele CA291444.
Genomic context (GRCh38, chr2:178,679,700, plus strand): 5'-GGTTTCTTCTCTTCTGGAACAGGTTTCCTGGGTACCTCAGGCACTTTAAAGATATTATTA[A>G]GAATGTTGGAAATTTTGCAGGAAAGAAATAAAATGTGAAAAGCACCTGTAGAAATCATAT-3'

ClinVar aggregate classification (germline): Benign/Likely benign. Review status: criteria provided, multiple submitters, no conflicts (2 of 4 stars). 14 submissions from 11 submitters: Benign (9); Likely benign (1). 4 of the submissions do not count toward it. Last evaluated 2026-02-03.

Conditions:
Dilated cardiomyopathy 1G (CMD1G). Identifiers: Orphanet 154, MedGen C1858763, MONDO:0011400, OMIM 604145.
Autosomal recessive limb-girdle muscular dystrophy type 2J (LGMDR10). Also called: Limb-girdle muscular dystrophy, type 2J; MUSCULAR DYSTROPHY, LIMB-GIRDLE, AUTOSOMAL RECESSIVE 10. Identifiers: Orphanet 140922, MedGen C1837342, MONDO:0012127, OMIM 608807.
Myopathy, myofibrillar, 9, with early respiratory failure (MFM9). Also called: Hereditary myopathy with early respiratory failure; MYOPATHY, PROXIMAL, WITH EARLY RESPIRATORY MUSCLE INVOLVEMENT; Myopathy, distal, with early respiratory failure, autosomal dominant; EDSTROM MYOPATHY. Identifiers: Orphanet 178464, Orphanet 34521, MedGen C1863599, MONDO:0011362, OMIM 603689.
Tibial muscular dystrophy (TMD). Also called: UDD MYOPATHY; Tibial muscular dystrophy, tardive; Udd Distal Myopathy – Tibial Muscular Dystrophy. Identifiers: Orphanet 609, MedGen C1838244, MONDO:0010870, OMIM 600334.
Early-onset myopathy with fatal cardiomyopathy (CMYO5). Also called: Salih Myopathy; CONGENITAL MYOPATHY 5 WITH CARDIOMYOPATHY. Identifiers: Orphanet 289377, MedGen C2673677, MONDO:0012714, OMIM 611705. Disease mechanism: loss of function.

Allele frequency attached by ClinVar (database versions not stated): TOPMed 0.00110; gnomAD 0.00184 and 0.00113; gnomAD exomes 0.00216 and 0.00362; 1000 Genomes Project 30x 0.00593; ESP Exome Variant Server 0.00145; 1000 Genomes Project 0.00599; ExAC 0.00501.
gnomAD v4.1: 3,438 of 1,591,434 alleles (0.22%); highest among the groups gnomAD compares: South Asian, 2.1%; 52 homozygotes.

Submissions (14):

Labcorp Genetics (formerly Invitae), Labcorp
Classification: Benign for Dilated cardiomyopathy 1G; Autosomal recessive limb-girdle muscular dystrophy type 2J. Last evaluated: 2026-02-03. Review status: criteria provided, single submitter. Criteria: Invitae Variant Classification Sherloc (09022015). Collection method: clinical testing. Allele origin: germline.

Genomic Medicine Center of Excellence, King Faisal Specialist Hospital and Research Centre
Classification: Likely benign. Last evaluated: 2025-08-18. Review status: criteria provided, single submitter. Criteria: ACMG Guidelines, 2015. Collection method: clinical testing. Allele origin: germline.

ARUP Laboratories, Molecular Genetics and Genomics, ARUP Laboratories
Classification: Benign. Last evaluated: 2025-06-23. Review status: criteria provided, single submitter. Criteria: ARUP Molecular Germline Variant Investigation Process 2024. Collection method: clinical testing. Allele origin: germline.

Genome-Nilou Lab
Classification: Benign for Autosomal recessive limb-girdle muscular dystrophy type 2J. Last evaluated: 2021-09-10. Review status: criteria provided, single submitter. Criteria: ACMG Guidelines, 2015. Collection method: clinical testing. Allele origin: germline. Affected: no.

Genome-Nilou Lab
Classification: Benign for Myopathy, myofibrillar, 9, with early respiratory failure. Last evaluated: 2021-09-10. Review status: criteria provided, single submitter. Criteria: ACMG Guidelines, 2015. Collection method: clinical testing. Allele origin: germline. Affected: no.

Genome-Nilou Lab
Classification: Benign for Early-onset myopathy with fatal cardiomyopathy. Last evaluated: 2021-09-10. Review status: criteria provided, single submitter. Criteria: ACMG Guidelines, 2015. Collection method: clinical testing. Allele origin: germline. Affected: no.

Genome-Nilou Lab
Classification: Benign for Tibial muscular dystrophy. Last evaluated: 2021-09-10. Review status: criteria provided, single submitter. Criteria: ACMG Guidelines, 2015. Collection method: clinical testing. Allele origin: germline. Affected: no.

Women's Health and Genetics/Laboratory Corporation of America, LabCorp
Classification: Benign. Last evaluated: 2020-01-06. Review status: criteria provided, single submitter. Criteria: LabCorp Variant Classification Summary - May 2015. Collection method: clinical testing. Allele origin: germline.

GeneDx
Classification: Benign. Last evaluated: 2012-12-19. Review status: criteria provided, single submitter. Criteria: GeneDx Variant Classification (06012015). Collection method: clinical testing. Allele origin: germline. Affected: yes.
Comment: This variant is considered likely benign or benign based on one or more of the following criteria: it is a conservative change, it occurs at a poorly conserved position in the protein, it is predicted to be benign by multiple in silico algorithms, and/or has population frequency not consistent with disease.

Breakthrough Genomics
Classification: Benign. Review status: criteria provided, single submitter. Criteria: ACMG Guidelines, 2015. Collection method: not provided. Allele origin: germline. Inheritance: Autosomal recessive inheritance. Affected: yes.

Clinical Genetics, Academic Medical Center
Classification: Benign. Review status: no assertion criteria provided. Collection method: clinical testing. Allele origin: germline. Affected: yes. Study: VKGL Data-share Consensus. Not counted in ClinVar's aggregate classification.

Diagnostic Laboratory, Department of Genetics, University Medical Center Groningen
Classification: Benign. Review status: no assertion criteria provided. Collection method: clinical testing. Allele origin: germline. Affected: yes. Study: VKGL Data-share Consensus. Not counted in ClinVar's aggregate classification.

Joint Genome Diagnostic Labs from Nijmegen and Maastricht, Radboudumc and MUMC+
Classification: Benign. Review status: no assertion criteria provided. Collection method: clinical testing. Allele origin: germline. Affected: yes. Study: VKGL Data-share Consensus. Not counted in ClinVar's aggregate classification.

Laboratory of Diagnostic Genome Analysis, Leiden University Medical Center (LUMC)
Classification: Benign. Review status: no assertion criteria provided. Collection method: clinical testing. Allele origin: germline. Affected: yes. Study: VKGL Data-share Consensus. Not counted in ClinVar's aggregate classification.